The following is an entry in ClinVar:

ClinVar aggregate classification (germline): Uncertain significance. Review status: criteria provided, multiple submitters, no conflicts (2 of 4 stars). 2 submissions from 2 submitters: Uncertain significance (2). Last evaluated 2024-09-30.

Conditions:
Inborn genetic diseases. Identifiers: MedGen C0950123, MeSH D030342.

Allele frequency attached by ClinVar (database versions not stated): 1000 Genomes Project 30x 0.00016.
gnomAD v4.1: 45 of 1,249,558 alleles (0.0036%); highest among the groups gnomAD compares: African/African-American, 0.068%; no homozygotes.

Submissions (2):

Ambry Genetics
Classification: Uncertain significance for Inborn genetic diseases. Last evaluated: 2024-09-30. Review status: criteria provided, single submitter. Criteria: Ambry Variant Classification Scheme 2023. Collection method: clinical testing. Allele origin: germline.

Labcorp Genetics (formerly Invitae), Labcorp
Classification: Uncertain significance. Last evaluated: 2022-11-01. Review status: criteria provided, single submitter. Criteria: Invitae Variant Classification Sherloc (09022015). Collection method: clinical testing. Allele origin: germline.
Comment: In summary, the available evidence is currently insufficient to determine the role of this variant in disease. Therefore, it has been classified as a Variant of Uncertain Significance. Advanced modeling of protein sequence and biophysical properties (such as structural, functional, and spatial information, amino acid conservation, physicochemical variation, residue mobility, and thermodynamic stability) performed at Invitae indicates that this missense variant is not expected to disrupt DONSON protein function. ClinVar contains an entry for this variant (Variation ID: 1478030). This variant has not been reported in the literature in individuals affected with DONSON-related conditions. This variant is present in population databases (no rsID available, gnomAD 0.07%). This sequence change replaces alanine, which is neutral and non-polar, with glycine, which is neutral and non-polar, at codon 32 of the DONSON protein (p.Ala32Gly).

NM_017613.4(DONSON):c.95C>G (p.Ala32Gly)

Gene: DONSON (DNA replication fork stabilization factor DONSON; minus strand). Cytogenetic location: 21q22.11.
Variant type: single nucleotide variant.
Coding change: c.95C>G on transcript NM_017613.4 (MANE Select); coding-DNA position 95, C replaced by G.
Protein change: p.Ala32Gly; replaces alanine 32 with glycine.
Molecular consequence: missense variant.
Genome position (GRCh38, 1-based): chr21:33,588,547, G>C on the plus strand (C>G on the coding strand, the complement: DONSON is on the minus strand). VCF-style: chr21-33588547-G-C. GRCh37 (hg19) VCF-style: chr21-34960853-G-C.
Other names: c.95C>G (NM_017613.2); short protein forms A32G.
Identifiers: ClinVar variation 1478030 (VCV001478030.5), dbSNP rs1031175520, ClinGen allele CA320125007.